The following is an entry in ClinVar:

NM_018136.5(ASPM):c.10057T>C (p.Tyr3353His)

Gene: ASPM (assembly factor for spindle microtubules; minus strand). Cytogenetic location: 1q31.3.
Variant type: single nucleotide variant.
Coding change: c.10057T>C on transcript NM_018136.5 (MANE Select); coding-DNA position 10057, T replaced by C.
Protein change: p.Tyr3353His; replaces tyrosine 3353 with histidine.
Molecular consequence: missense variant.
Genome position (GRCh38, 1-based): chr1:197,088,360, A>G on the plus strand (T>C on the coding strand, the complement: ASPM is on the minus strand). VCF-style: chr1-197088360-A-G. GRCh37 (hg19) VCF-style: chr1-197057490-A-G.
Other names: c.5302T>C, p.Tyr1768His (NM_001206846.2); short protein forms Y3353H, Y1768H.
Identifiers: ClinVar variation 234723 (VCV000234723.6), dbSNP rs141240137, ClinGen allele CA1308800.

ClinVar aggregate classification (germline): Uncertain significance. Review status: criteria provided, multiple submitters, no conflicts (2 of 4 stars). 4 submissions from 4 submitters: Uncertain significance (4). Last evaluated 2024-03-19.

Conditions:
Inborn genetic diseases. Identifiers: MedGen C0950123, MeSH D030342.
Microcephaly 5, primary, autosomal recessive (MCPH5). Also called: ASPM Primary Microcephaly. Identifiers: Orphanet 2512, MedGen C1837501, MONDO:0012106, OMIM 608716.

Allele frequency attached by ClinVar (database versions not stated): gnomAD 0.00002 and 0.00003; gnomAD exomes 0.00002 and 0.00004; ExAC 0.00003; TOPMed 0.00003; ESP Exome Variant Server 0.00008.
gnomAD v4.1: 55 of 1,612,562 alleles (0.0034%); highest among the groups gnomAD compares: Admixed American, 0.0067%; no homozygotes.

Submissions (4):

Ambry Genetics
Classification: Uncertain significance for Inborn genetic diseases. Last evaluated: 2024-03-19. Review status: criteria provided, single submitter. Criteria: Ambry Variant Classification Scheme 2023. Collection method: clinical testing. Allele origin: germline.

Genome-Nilou Lab
Classification: Uncertain significance for Microcephaly 5, primary, autosomal recessive. Last evaluated: 2023-04-11. Review status: criteria provided, single submitter. Criteria: ACMG Guidelines, 2015. Collection method: clinical testing. Allele origin: germline. Affected: no.

GeneDx
Classification: Uncertain significance. Last evaluated: 2020-09-21. Review status: criteria provided, single submitter. Criteria: GeneDx Variant Classification Process June 2021. Collection method: clinical testing. Allele origin: germline. Affected: yes.
Comment: Not observed at a significant frequency in large population cohorts (Lek et al., 2016); In silico analysis supports that this missense variant has a deleterious effect on protein structure/function; Missense variant in a gene in which most reported pathogenic variants are truncating/loss-of-function; Has not been previously published as pathogenic or benign to our knowledge

Fulgent Genetics
Classification: Uncertain significance for Microcephaly 5, primary, autosomal recessive. Last evaluated: 2018-10-31. Review status: criteria provided, single submitter. Criteria: ACMG Guidelines, 2015. Collection method: clinical testing. Allele origin: unknown.